The following is an entry in ClinVar:

ClinVar aggregate classification (germline): Pathogenic (1 of 4 stars; one submission).

Submission:

Labcorp Genetics (formerly Invitae), Labcorp
Classification: Pathogenic. Last evaluated: 2021-06-05. Review status: criteria provided, single submitter. Criteria: Invitae Variant Classification Sherloc (09022015). Collection method: clinical testing. Allele origin: germline.
Comment: This sequence change replaces isoleucine with threonine at codon 123 of the TYR protein (p.Ile123Thr). The isoleucine residue is moderately conserved and there is a moderate physicochemical difference between isoleucine and threonine. This variant is not present in population databases (ExAC no frequency). This variant has been observed in individual(s) with oculocutaneous albinism (PMID: 18463683, Invitae). In at least one individual the data is consistent with the variant being in trans (on the opposite chromosome) from a pathogenic variant. Advanced modeling of protein sequence and biophysical properties (such as structural, functional, and spatial information, amino acid conservation, physicochemical variation, residue mobility, and thermodynamic stability) performed at Invitae indicates that this missense variant is expected to disrupt TYR protein function. For these reasons, this variant has been classified as Pathogenic.

Literature cited by the submitters: PubMed 18463683.

NM_000372.5(TYR):c.368T>C (p.Ile123Thr)

Gene: TYR (tyrosinase; plus strand). Cytogenetic location: 11q14.3.
Variant type: single nucleotide variant.
Coding change: c.368T>C on transcript NM_000372.5 (MANE Select); coding-DNA position 368, T replaced by C.
Protein change: p.Ile123Thr; replaces isoleucine 123 with threonine.
Molecular consequence: missense variant.
Genome position (GRCh38, 1-based): chr11:89,178,321, T>C. VCF-style: chr11-89178321-T-C. GRCh37 (hg19) VCF-style: chr11-88911489-T-C.
Other names: short protein forms I123T.
Identifiers: ClinVar variation 1354013 (VCV001354013.8), dbSNP rs2135242147, ClinGen allele CA382034245.
Genomic context (GRCh38, chr11:89,178,321, plus strand): 5'-GCAAGTTTGGCTTTTGGGGACCAAACTGCACAGAGAGACGACTCTTGGTGAGAAGAAACA[T>C]CTTCGATTTGAGTGCCCCAGAGAAGGACAAATTTTTTGCCTACCTCACTTTAGCAAAGCA-3'
Protein context (NP_000363.1, residues 113-133): TERRLLVRRN[Ile123Thr]FDLSAPEKDK